The following is an entry in ClinVar:

ClinVar aggregate classification (germline): Uncertain significance (1 of 4 stars; one submission).

Allele frequency attached by ClinVar (database versions not stated): gnomAD 0.00001; TOPMed 0.00001.

Submission:

Labcorp Genetics (formerly Invitae), Labcorp
Classification: Uncertain significance. Last evaluated: 2024-11-23. Review status: criteria provided, single submitter. Criteria: Invitae Variant Classification Sherloc (09022015). Collection method: clinical testing. Allele origin: germline.
Comment: This sequence change replaces glutamine, which is neutral and polar, with arginine, which is basic and polar, at codon 313 of the DNA2 protein (p.Gln313Arg). The frequency data for this variant in the population databases is considered unreliable, as metrics indicate poor data quality at this position in the gnomAD database. This variant has not been reported in the literature in individuals affected with DNA2-related conditions. ClinVar contains an entry for this variant (Variation ID: 2917584). An algorithm developed to predict the effect of missense changes on protein structure and function (PolyPhen-2) suggests that this variant is likely to be disruptive. Algorithms developed to predict the effect of sequence changes on RNA splicing suggest that this variant may disrupt the consensus splice site. In summary, the available evidence is currently insufficient to determine the role of this variant in disease. Therefore, it has been classified as a Variant of Uncertain Significance.

NM_001080449.3(DNA2):c.938A>G (p.Gln313Arg)

Gene: DNA2 (DNA replication helicase/nuclease 2; minus strand). Cytogenetic location: 10q21.3.
Variant type: single nucleotide variant.
Coding change: c.938A>G on transcript NM_001080449.3 (MANE Select); coding-DNA position 938, A replaced by G.
Protein change: p.Gln313Arg; replaces glutamine 313 with arginine.
Molecular consequence: missense variant. On other transcripts: non-coding transcript variant (1).
Genome position (GRCh38, 1-based): chr10:68,450,029, T>C on the plus strand (A>G on the coding strand, the complement: DNA2 is on the minus strand). VCF-style: chr10-68450029-T-C. GRCh37 (hg19) VCF-style: chr10-70209786-T-C.
Other names: short protein forms Q313R.
Identifiers: ClinVar variation 2917584 (VCV002917584.3), dbSNP rs1159273184, ClinGen allele CA376863466.
Genomic context (GRCh38, chr10:68,450,029, plus strand): 5'-GTCTCAAAAAAAAAAAAAAAAAAGTATAAAACAGACAATTTTCTTATTAACATTTATACC[T>C]GACTACGGTGTTCAATAGAATTTGATTCTTTGCCAGTTTTAAGTTCCAGCGGCATTATCT-3'
Protein context (NP_001073918.2, residues 303-323): KESNSIEHRS[Gln313Arg]VVLYTLLSQE